The following is an entry in ClinVar:

NM_001111.5(ADAR):c.672C>G (p.Asp224Glu)

Gene: ADAR (adenosine deaminase RNA specific; minus strand). Cytogenetic location: 1q21.3.
Variant type: single nucleotide variant.
Coding change: c.672C>G on transcript NM_001111.5 (MANE Select); coding-DNA position 672, C replaced by G.
Protein change: p.Asp224Glu; replaces aspartic acid 224 with glutamic acid.
Molecular consequence: missense variant. On other transcripts: 5 prime UTR variant (6).
Genome position (GRCh38, 1-based): chr1:154,601,970, G>C on the plus strand (C>G on the coding strand, the complement: ADAR is on the minus strand). VCF-style: chr1-154601970-G-C. GRCh37 (hg19) VCF-style: chr1-154574446-G-C.
Other names: c.-214C>G (NM_001025107.3, NM_001193495.2, NM_001365046.1 and 3 more transcripts); c.699C>G, p.Asp233Glu (NM_001365045.1); c.672C>G, p.Asp224Glu (NM_015840.4, NM_015841.4); short protein forms D224E, D233E.
Identifiers: ClinVar variation 4790537 (VCV004790537.1).

ClinVar aggregate classification (germline): Uncertain significance (1 of 4 stars; one submission).

Conditions:
Aicardi-Goutieres syndrome 6 (AGS6). Identifiers: Orphanet 51, MedGen C3539013, MONDO:0014007, OMIM 615010.
Symmetrical dyschromatosis of extremities (DSH). Also called: DYSCHROMATOSIS SYMMETRICA HEREDITARIA 1; RETICULATE ACROPIGMENTATION OF DOHI; SYMMETRIC DYSCHROMATOSIS OF THE EXTREMITIES; Dyschromatosis symmetrica hereditaria. Identifiers: Orphanet 41, MedGen C0406775, MONDO:0007483, OMIM 127400.

gnomAD v4.1: 1 of 1,614,114 alleles (0.000062%); highest among the groups gnomAD compares: Non-Finnish European, 0.000085%; no homozygotes.

Submission:

Labcorp Genetics (formerly Invitae), Labcorp
Classification: Uncertain significance for Aicardi-Goutieres syndrome 6; Symmetrical dyschromatosis of extremities. Last evaluated: 2026-01-02. Review status: criteria provided, single submitter. Criteria: Invitae Variant Classification Sherloc (09022015). Collection method: clinical testing. Allele origin: germline.
Comment: This sequence change replaces aspartic acid, which is acidic and polar, with glutamic acid, which is acidic and polar, at codon 224 of the ADAR protein (p.Asp224Glu). This variant is not present in population databases (gnomAD no frequency). This variant has not been reported in the literature in individuals affected with ADAR-related conditions. An algorithm developed to predict the effect of missense changes on protein structure and function outputs the following: PolyPhen-2: "Not Available". The glutamic acid amino acid residue is found in multiple mammalian species, which suggests that this missense change does not adversely affect protein function. In summary, the available evidence is currently insufficient to determine the role of this variant in disease. Therefore, it has been classified as a Variant of Uncertain Significance.